The following is an entry in ClinVar:

NM_001082486.2(ACD):c.791C>A (p.Thr264Asn)

Gene: ACD (ACD shelterin complex subunit and telomerase recruitment factor; minus strand). Cytogenetic location: 16q22.1.
Variant type: single nucleotide variant.
Coding change: c.791C>A on transcript NM_001082486.2 (MANE Select); coding-DNA position 791, C replaced by A.
Protein change: p.Thr264Asn; replaces threonine 264 with asparagine.
Molecular consequence: missense variant. On other transcripts: intron variant (1).
Genome position (GRCh38, 1-based): chr16:67,658,593, G>T on the plus strand (C>A on the coding strand, the complement: ACD is on the minus strand). VCF-style: chr16-67658593-G-T. GRCh37 (hg19) VCF-style: chr16-67692496-G-T.
Other names: c.782C>A, p.Thr261Asn (NM_022914.3); c.742+127C>A (NM_001410884.1); short protein forms T261N, T264N.
Identifiers: ClinVar variation 2566759 (VCV002566759.2), dbSNP rs1293649438, ClinGen allele CA396353231.

ClinVar aggregate classification (germline): Uncertain significance (1 of 4 stars; one submission).

Conditions:
Inborn genetic diseases. Identifiers: MedGen C0950123, MeSH D030342.

Allele frequency attached by ClinVar (database versions not stated): gnomAD exomes 0.00001.

Submission:

Ambry Genetics
Classification: Uncertain significance for Inborn genetic diseases. Last evaluated: 2023-04-19. Review status: criteria provided, single submitter. Criteria: Ambry Variant Classification Scheme 2023. Collection method: clinical testing. Allele origin: germline.
Comment: The p.T350N variant (also known as c.1049C>A), located in coding exon 9 of the ACD gene, results from a C to A substitution at nucleotide position 1049. The threonine at codon 350 is replaced by asparagine, an amino acid with similar properties. This amino acid position is conserved. In addition, this alteration is predicted to be tolerated by in silico analysis. Since supporting evidence is limited at this time, the clinical significance of this alteration remains unclear.